The following is an entry in ClinVar:

ClinVar aggregate classification (germline): Uncertain significance. Review status: criteria provided, multiple submitters, no conflicts (2 of 4 stars). 3 submissions from 3 submitters: Uncertain significance (3). Last evaluated 2026-04-01.

Conditions:
Osteogenesis imperfecta type I (OI1). Also called: Lobstein disease; Classic Non-deforming Osteogenesis Imperfecta with Blue Sclerae; Osteogenesis imperfecta type 1; Lobstein's Disease; OI, TYPE I; OSTEOGENESIS IMPERFECTA TARDA. Identifiers: Orphanet 216796, Orphanet 666, MedGen C0023931, MONDO:0008146, OMIM 166200. Disease mechanism: loss of function.

Allele frequency attached by ClinVar (database versions not stated): gnomAD 0.00001; gnomAD exomes 0.00001; TOPMed 0.00002.
gnomAD v4.1: 11 of 1,573,812 alleles (0.0007%); highest among the groups gnomAD compares: South Asian, 0.0035%; no homozygotes.

Submissions (3):

Women's Health and Genetics/Laboratory Corporation of America, LabCorp
Classification: Uncertain significance. Last evaluated: 2026-04-01. Review status: criteria provided, single submitter. Criteria: LabCorp Variant Classification Summary - May 2015. Collection method: clinical testing. Allele origin: germline.
Comment: Variant summary: COL1A1 c.1406G>A (p.Arg469Gln) results in a conservative amino acid change in the encoded protein sequence. Algorithms developed to predict the effect of missense changes on protein structure and function are either unavailable or do not agree on the potential impact of this missense change. The variant allele was found at a frequency of 2.1e-05 in 186084 control chromosomes. The available data on variant occurrences in the general population are insufficient to allow any conclusion about variant significance. To our knowledge, no occurrence of c.1406G>A in individuals affected with COL1A1-related conditions and no experimental evidence demonstrating its impact on protein function have been reported. ClinVar contains an entry for this variant (Variation ID: 2163707). Based on the evidence outlined above, the variant was classified as uncertain significance.

Blueprint Genetics
Classification: Uncertain significance. Last evaluated: 2024-11-26. Review status: criteria provided, single submitter. Criteria: ACMG Guidelines, 2015. Collection method: clinical testing. Allele origin: germline.

Labcorp Genetics (formerly Invitae), Labcorp
Classification: Uncertain significance for Osteogenesis imperfecta type I. Last evaluated: 2022-05-13. Review status: criteria provided, single submitter. Criteria: Invitae Variant Classification Sherloc (09022015). Collection method: clinical testing. Allele origin: germline.
Comment: This sequence change replaces arginine, which is basic and polar, with glutamine, which is neutral and polar, at codon 469 of the COL1A1 protein (p.Arg469Gln). The frequency data for this variant in the population databases is considered unreliable, as metrics indicate poor data quality at this position in the gnomAD database. This variant has not been reported in the literature in individuals affected with COL1A1-related conditions. Algorithms developed to predict the effect of missense changes on protein structure and function are either unavailable or do not agree on the potential impact of this missense change (SIFT: "Deleterious"; PolyPhen-2: "Not Available"; Align-GVGD: "Class C35"). In summary, the available evidence is currently insufficient to determine the role of this variant in disease. Therefore, it has been classified as a Variant of Uncertain Significance.

NM_000088.4(COL1A1):c.1406G>A (p.Arg469Gln)

Gene: COL1A1 (collagen type I alpha 1 chain; minus strand). Cytogenetic location: 17q21.33.
Variant type: single nucleotide variant.
Coding change: c.1406G>A on transcript NM_000088.4 (MANE Select); coding-DNA position 1406, G replaced by A.
Protein change: p.Arg469Gln; replaces arginine 469 with glutamine.
Molecular consequence: missense variant.
Genome position (GRCh38, 1-based): chr17:50,194,776, C>T on the plus strand (G>A on the coding strand, the complement: COL1A1 is on the minus strand). VCF-style: chr17-50194776-C-T. GRCh37 (hg19) VCF-style: chr17-48272137-C-T.
Other names: short protein forms R469Q.
Identifiers: ClinVar variation 2163707 (VCV002163707.6), dbSNP rs1325725639, ClinGen allele CA400217822.